The following is an entry in ClinVar:

ClinVar aggregate classification (germline): Uncertain significance (1 of 4 stars; one submission).

Conditions:
Cardiomyopathy (CMYO). Also called: Cardiomyopathies. Identifiers: Orphanet 167848, MedGen C0878544, MONDO:0004994, HP:0001638. Inheritance: Various modes of inheritance.

Submission:

Color Diagnostics, LLC DBA Color Health
Classification: Uncertain significance for Cardiomyopathy. Last evaluated: 2025-06-03. Review status: criteria provided, single submitter. Criteria: ACMG Guidelines, 2015. Collection method: clinical testing. Allele origin: germline.
Comment: This variant is located in the PRKAG2 protein. To our knowledge, functional studies have not been reported for this variant. This variant has not been reported in individuals affected with PRKAG2-related disorders in the literature. This variant has not been identified in the general population by the Genome Aggregation Database (gnomAD). The available evidence is insufficient to determine the role of this variant in disease conclusively. Therefore, this variant is classified as a Variant of Uncertain Significance.

NM_016203.4(PRKAG2):c.894C>T (p.Ala298=)

Gene: PRKAG2 (protein kinase AMP-activated non-catalytic subunit gamma 2; minus strand). Cytogenetic location: 7q36.1.
Variant type: single nucleotide variant.
Coding change: c.894C>T on transcript NM_016203.4 (MANE Select); coding-DNA position 894, C replaced by T.
Protein change: p.Ala298=; no amino-acid change (alanine 298 retained).
Molecular consequence: synonymous variant.
Genome position (GRCh38, 1-based): chr7:151,576,423, G>A on the plus strand (C>T on the coding strand, the complement: PRKAG2 is on the minus strand). VCF-style: chr7-151576423-G-A. GRCh37 (hg19) VCF-style: chr7-151273509-G-A.
Other names: c.522C>T, p.Ala174= (NM_001407028.1, NM_001363698.2); c.519C>T, p.Ala173= (NM_001407029.1, NM_001304527.2); c.606C>T, p.Ala202= (NM_001407030.1); c.603C>T, p.Ala201= (NM_001407031.1); c.576C>T, p.Ala192= (NM_001407032.1); c.570C>T, p.Ala190= (NM_001407033.1); c.171C>T, p.Ala57= (NM_001407034.1, NM_001407035.1, NM_024429.2 and 1 more transcripts); c.168C>T, p.Ala56= (NM_001407036.1, NM_001407039.1, NM_001407040.1); and 6 more.
Identifiers: ClinVar variation 4758715 (VCV004758715.1).